The following is an entry in ClinVar:

NM_001273.5(CHD4):c.3088A>G (p.Met1030Val)

Gene: CHD4 (chromodomain helicase DNA binding protein 4; minus strand). Cytogenetic location: 12p13.31.
Variant type: single nucleotide variant.
Coding change: c.3088A>G on transcript NM_001273.5 (MANE Select); coding-DNA position 3088, A replaced by G.
Protein change: p.Met1030Val; replaces methionine 1030 with valine.
Molecular consequence: missense variant.
Genome position (GRCh38, 1-based): chr12:6,591,918, T>C on the plus strand (A>G on the coding strand, the complement: CHD4 is on the minus strand). VCF-style: chr12-6591918-T-C. GRCh37 (hg19) VCF-style: chr12-6701084-T-C.
Other names: c.3067A>G, p.Met1023Val (NM_001297553.2); c.3049A>G, p.Met1017Val (NM_001363606.2); c.3088A>G (NM_001273.3); short protein forms M1030V, M1017V, M1023V.
Identifiers: ClinVar variation 1372628 (VCV001372628.8), dbSNP rs140410250, ClinGen allele CA6411855.

ClinVar aggregate classification (germline): Uncertain significance. Review status: criteria provided, single submitter (1 of 4 stars). 2 submissions from 2 submitters: Uncertain significance (1). 1 of the submissions does not count toward it. Last evaluated 2023-04-20.

Conditions:
CHD4-related disorder. Also called: CHD4-related condition.

Allele frequency attached by ClinVar (database versions not stated): ExAC 0.00001; gnomAD exomes 0.00002 and 0.00010; ESP Exome Variant Server 0.00008; TOPMed 0.00031; gnomAD 0.00036.

Submissions (2):

Labcorp Genetics (formerly Invitae), Labcorp
Classification: Uncertain significance. Last evaluated: 2023-04-20. Review status: criteria provided, single submitter. Criteria: Invitae Variant Classification Sherloc (09022015). Collection method: clinical testing. Allele origin: germline.
Comment: This sequence change replaces methionine, which is neutral and non-polar, with valine, which is neutral and non-polar, at codon 1030 of the CHD4 protein (p.Met1030Val). This variant is present in population databases (rs140410250, gnomAD 0.07%), and has an allele count higher than expected for a pathogenic variant. In summary, the available evidence is currently insufficient to determine the role of this variant in disease. Therefore, it has been classified as a Variant of Uncertain Significance. An algorithm developed to predict the effect of missense changes on protein structure and function (PolyPhen-2) suggests that this variant is likely to be tolerated. ClinVar contains an entry for this variant (Variation ID: 1372628). This variant has not been reported in the literature in individuals affected with CHD4-related conditions.

PreventionGenetics, part of Exact Sciences
Classification: Likely benign for CHD4-related condition. Last evaluated: 2023-06-30. Review status: no assertion criteria provided. Collection method: clinical testing. Allele origin: germline. Not counted in ClinVar's aggregate classification.
Comment: This variant is classified as likely benign based on ACMG/AMP sequence variant interpretation guidelines (Richards et al. 2015 PMID: 25741868, with internal and published modifications).